The following is an entry in ClinVar:

ClinVar aggregate classification (germline): Uncertain significance (1 of 4 stars; one submission).

Conditions:
Inborn genetic diseases. Identifiers: MedGen C0950123, MeSH D030342.

Submission:

Ambry Genetics
Classification: Uncertain significance for Inborn genetic diseases. Last evaluated: 2024-03-14. Review status: criteria provided, single submitter. Criteria: Ambry Variant Classification Scheme 2023. Collection method: clinical testing. Allele origin: germline.
Comment: The p.E327D variant (also known as c.981G>C), located in coding exon 11 of the ERCC2 gene, results from a G to C substitution at nucleotide position 981. The glutamic acid at codon 327 is replaced by aspartic acid, an amino acid with highly similar properties. This amino acid position is conserved. In addition, the in silico prediction for this alteration is inconclusive. Based on the available evidence, the clinical significance of this alteration remains unclear.

NM_000400.4(ERCC2):c.981G>C (p.Glu327Asp)

Gene: ERCC2 (ERCC excision repair 2, TFIIH core complex helicase subunit; minus strand). Cytogenetic location: 19q13.32.
Variant type: single nucleotide variant.
Coding change: c.981G>C on transcript NM_000400.4 (MANE Select); coding-DNA position 981, G replaced by C.
Protein change: p.Glu327Asp; replaces glutamic acid 327 with aspartic acid.
Molecular consequence: missense variant.
Genome position (GRCh38, 1-based): chr19:45,363,880, C>G on the plus strand (G>C on the coding strand, the complement: ERCC2 is on the minus strand). VCF-style: chr19-45363880-C-G. GRCh37 (hg19) VCF-style: chr19-45867138-C-G.
Other names: c.909G>C, p.Glu303Asp (NM_001130867.2); short protein forms E303D, E327D.
Identifiers: ClinVar variation 3231725 (VCV003231725.1), dbSNP rs867769477, ClinGen allele CA406373027.
Genomic context (GRCh38, chr19:45,363,880, plus strand): 5'-CTGCACACGCAGCCGCCACTTCACGTACTCCAGCAGCCGCCTCAGGAAGCCCAGGAAATG[C>G]TCGGCCGTGCGGATGGAGCCAGGCACTGCCTCTGCGAGGAGACGCTATCAGCGGCGACGG-3'
Protein context (NP_000391.1, residues 317-337): EAVPGSIRTA[Glu327Asp]HFLGFLRRLL